The following is an entry in ClinVar:

ClinVar aggregate classification (germline): Pathogenic (1 of 4 stars; one submission).

Submission:

Labcorp Genetics (formerly Invitae), Labcorp
Classification: Pathogenic. Last evaluated: 2019-08-24. Review status: criteria provided, single submitter. Criteria: Invitae Variant Classification Sherloc (09022015). Collection method: clinical testing. Allele origin: germline.
Comment: This variant is a gross deletion of the genomic region encompassing exons 2-25 of the PCDH15 gene, which includes the initiator codon. The 5' end of this event is unknown as it extends beyond the assayed region for this gene and therefore may encompass additional genes. The 3' boundary is likely confined to intron 25 of the PCDH15 gene. This is expected to result in an absent or disrupted protein product. This variant has not been reported in the literature in individuals with PCDH15-related conditions. Loss-of-function variants in PCDH15 are known to be pathogenic (PMID: 11398101, 11487575, 14570705). For these reasons, this variant has been classified as Pathogenic.

Literature cited by the submitters: PubMed 11398101; PubMed 11487575; PubMed 14570705.

NC_000010.11:g.(?_53938805)_(54664272_?)del

Gene: PCDH15 (protocadherin related 15; minus strand). Cytogenetic location: 10q21.1.
Variant type: Deletion.
Identifiers: ClinVar variation 832083 (VCV000832083.4).